The following is an entry in ClinVar:

NM_000038.6(APC):c.*1098T>C

Gene: APC (APC regulator of Wnt signaling pathway; plus strand). Cytogenetic location: 5q22.2.
Variant type: single nucleotide variant.
Coding change: c.*1098T>C on transcript NM_000038.6 (MANE Select); 1098 bases downstream of the stop codon, T replaced by C.
Molecular consequence: 3 prime UTR variant.
Genome position (GRCh38, 1-based): chr5:112,845,224, T>C. VCF-style: chr5-112845224-T-C. GRCh37 (hg19) VCF-style: chr5-112180921-T-C.
Other names: c.*1098T>C (NM_001127510.3, NM_001127511.3, NM_001354895.2 and 11 more transcripts).
Identifiers: ClinVar variation 83260 (VCV000083260.6), dbSNP rs41116, ClinGen allele CA004050.

ClinVar aggregate classification (germline): Benign. Review status: criteria provided, single submitter (1 of 4 stars). 2 submissions from 2 submitters: Benign (1). 1 of the submissions does not count toward it. Last evaluated 2018-01-12.

Conditions:
APC-Associated Polyposis Disorders.
Familial colorectal cancer. Identifiers: MedGen CN280943, MONDO:0023113. Disease mechanism: loss of function.

Allele frequency attached by ClinVar (database versions not stated): gnomAD 0.38756 and 0.40072; TOPMed 0.40464; 1000 Genomes Project 30x 0.43207; 1000 Genomes Project 0.43690; gnomAD exomes 0.51631.
gnomAD v4.1: 102,249 of 232,296 alleles (44%); highest among the groups gnomAD compares: East Asian, 72%; 26,028 homozygotes.

Submissions (2):

Illumina Laboratory Services, Illumina
Classification: Benign for APC-Associated Polyposis Disorders. Last evaluated: 2018-01-12. Review status: criteria provided, single submitter. Criteria: ICSL Variant Classification Criteria 13 December 2019. Collection method: clinical testing. Allele origin: germline.
Comment: This variant was observed in the ICSL laboratory as part of a predisposition screen in an ostensibly healthy population. It had not been previously curated by ICSL or reported in the Human Gene Mutation Database (HGMD: prior to June 1st, 2018), and was therefore a candidate for classification through an automated scoring system. Utilizing variant allele frequency, disease prevalence and penetrance estimates, and inheritance mode, an automated score was calculated to assess if this variant is too frequent to cause the disease. Based on the score and internal cut-off values, a variant classified as benign is not then subjected to further curation. The score for this variant resulted in a classification of benign for this disease.

Systems Biology Platform Zhejiang California International NanoSystems Institute
Classification: other for Familial colorectal cancer. Review status: no assertion criteria provided. Collection method: not provided. Allele origin: unknown. Not counted in ClinVar's aggregate classification.
ClinVar note: Converted during submission from cancer to other.